The following is an entry in ClinVar:

NC_000023.10:g.(?_123164791)_(123234447_?)del

Gene: STAG2 (STAG2 cohesin complex component; plus strand). Cytogenetic location: Xq25.
Variant type: Deletion.
Identifiers: ClinVar variation 3246407 (VCV003246407.1).

ClinVar aggregate classification (germline): Pathogenic (1 of 4 stars; one submission).

Submission:

Labcorp Genetics (formerly Invitae), Labcorp
Classification: Pathogenic. Last evaluated: 2023-10-19. Review status: criteria provided, single submitter. Criteria: Invitae Variant Classification Sherloc (09022015). Collection method: clinical testing. Allele origin: unknown.
Comment: This variant is a gross deletion of the genomic region encompassing exon(s) 5-35 of the STAG2 gene, which includes the termination codon. This deletion extends beyond the assayed region for this gene and therefore may encompass additional genes. While this deletion is not anticipated to lead to nonsense mediated decay, it is expected to alter mRNA translation or result in a truncated protein product. This variant has not been reported in the literature in individuals affected with STAG2-related conditions. This variant disrupts a region of the STAG2 protein in which other variant(s) (p.Phe999Cys) have been determined to be pathogenic (Invitae). This suggests that this is a clinically significant region of the protein, and that variants that disrupt it are likely to be disease-causing. For these reasons, this variant has been classified as Pathogenic.